The following is an entry in ClinVar:

NM_004082.5(DCTN1):c.627G>A (p.Pro209=)

Gene: DCTN1 (dynactin subunit 1; minus strand). Cytogenetic location: 2p13.1.
Variant type: single nucleotide variant.
Coding change: c.627G>A on transcript NM_004082.5 (MANE Select); coding-DNA position 627, G replaced by A.
Protein change: p.Pro209=; no amino-acid change (proline 209 retained).
Molecular consequence: synonymous variant. On other transcripts: non-coding transcript variant (1).
Genome position (GRCh38, 1-based): chr2:74,371,555, C>T on the plus strand (G>A on the coding strand, the complement: DCTN1 is on the minus strand). VCF-style: chr2-74371555-C-T. GRCh37 (hg19) VCF-style: chr2-74598682-C-T.
Other names: c.627G>A (NM_004082.4); c.567G>A, p.Pro189= (NM_001135040.3); c.225G>A, p.Pro75= (NM_001135041.3, NM_023019.4); c.516G>A, p.Pro172= (NM_001190836.2); c.606G>A, p.Pro202= (NM_001190837.2); c.576G>A, p.Pro192= (NM_001378991.1); c.558G>A, p.Pro186= (NM_001378992.1).
Identifiers: ClinVar variation 1084107 (VCV001084107.13), dbSNP rs147673066, ClinGen allele CA1722364.

ClinVar aggregate classification (germline): Likely benign. Review status: criteria provided, single submitter (1 of 4 stars). 2 submissions from 2 submitters: Likely benign (1). 1 of the submissions does not count toward it. Last evaluated 2026-01-05.

Conditions:
Neuronopathy, distal hereditary motor, type 7B. Also called: Distal Hereditary Motor Neuronopathy Type 7B (dHMN7B); NEURONOPATHY, DISTAL HEREDITARY MOTOR, AUTOSOMAL DOMINANT 14; NEURONOPATHY, DISTAL HEREDITARY MOTOR, HARDING TYPE VIIB; NEUROPATHY, DISTAL HEREDITARY MOTOR, HARDING TYPE VIIB; NEUROPATHY, DISTAL HEREDITARY MOTOR, WITH VOCAL CORD PARALYSIS, HARDING TYPE VIIB; HMN VIIB. Identifiers: Orphanet 139589, MedGen C1843315, MONDO:0011879, OMIM 607641.
Perry syndrome. Also called: PARKINSONISM WITH ALVEOLAR HYPOVENTILATION AND MENTAL DEPRESSION. Identifiers: Orphanet 178509, MedGen C1868594, MONDO:0008201, OMIM 168605.
Amyotrophic lateral sclerosis type 1 (ALS1). Also called: AMYOTROPHIC LATERAL SCLEROSIS 1, FAMILIAL. Identifiers: Orphanet 803, MedGen C1862939, MONDO:0007103, OMIM 105400.
DCTN1-related disorder. Also called: DCTN1-related condition.

gnomAD v4.1: 145 of 1,578,248 alleles (0.0092%); highest among the groups gnomAD compares: African/African-American, 0.098%; no homozygotes.

Submissions (2):

Labcorp Genetics (formerly Invitae), Labcorp
Classification: Likely benign for Amyotrophic lateral sclerosis type 1; Neuronopathy, distal hereditary motor, type 7B; Perry syndrome. Last evaluated: 2026-01-05. Review status: criteria provided, single submitter. Criteria: Invitae Variant Classification Sherloc (09022015). Collection method: clinical testing. Allele origin: germline.

PreventionGenetics, part of Exact Sciences
Classification: Likely benign for DCTN1-related condition. Last evaluated: 2022-06-20. Review status: no assertion criteria provided. Collection method: clinical testing. Allele origin: germline. Not counted in ClinVar's aggregate classification.
Comment: This variant is classified as likely benign based on ACMG/AMP sequence variant interpretation guidelines (Richards et al. 2015 PMID: 25741868, with internal and published modifications).